The following is an entry in ClinVar:

ClinVar aggregate classification (germline): Uncertain significance (1 of 4 stars; one submission).

Conditions:
Inborn genetic diseases. Identifiers: MedGen C0950123, MeSH D030342.

gnomAD v4.1: 5 of 1,613,822 alleles (0.00031%); highest among the groups gnomAD compares: African/African-American, 0.004%; no homozygotes.

Submission:

Ambry Genetics
Classification: Uncertain significance for Inborn genetic diseases. Last evaluated: 2024-11-30. Review status: criteria provided, single submitter. Criteria: Ambry Variant Classification Scheme 2023. Collection method: clinical testing. Allele origin: germline.
Comment: The p.S388W variant (also known as c.1163C>G), located in coding exon 10 of the CEP57 gene, results from a C to G substitution at nucleotide position 1163. The serine at codon 388 is replaced by tryptophan, an amino acid with highly dissimilar properties. This amino acid position is conserved. In addition, this alteration is predicted to be tolerated by in silico analysis. Based on the available evidence, the clinical significance of this variant remains unclear.

NM_014679.5(CEP57):c.1163C>G (p.Ser388Trp)

Gene: CEP57 (centrosomal protein 57; plus strand). Cytogenetic location: 11q21.
Variant type: single nucleotide variant.
Coding change: c.1163C>G on transcript NM_014679.5 (MANE Select); coding-DNA position 1163, C replaced by G.
Protein change: p.Ser388Trp; replaces serine 388 with tryptophan.
Molecular consequence: missense variant.
Genome position (GRCh38, 1-based): chr11:95,829,222, C>G. VCF-style: chr11-95829222-C-G. GRCh37 (hg19) VCF-style: chr11-95562386-C-G.
Other names: c.1136C>G, p.Ser379Trp (NM_001243776.2); c.1085C>G, p.Ser362Trp (NM_001243777.2); c.1082C>G, p.Ser361Trp (NM_001363604.2); short protein forms S361W, S362W, S388W, S379W.
Identifiers: ClinVar variation 3490846 (VCV003490846.1).